The following is an entry in ClinVar:

NM_001378120.1(MBD5):c.664C>T (p.Pro222Ser)

Gene: MBD5 (methyl-CpG binding domain protein 5; plus strand). Cytogenetic location: 2q23.1.
Variant type: single nucleotide variant.
Coding change: c.664C>T on transcript NM_001378120.1 (MANE Select); coding-DNA position 664, C replaced by T.
Protein change: p.Pro222Ser; replaces proline 222 with serine.
Molecular consequence: missense variant.
Genome position (GRCh38, 1-based): chr2:148,468,607, C>T. VCF-style: chr2-148468607-C-T. GRCh37 (hg19) VCF-style: chr2-149226176-C-T.
Other names: c.664C>T, p.Pro222Ser (NM_018328.5); short protein forms P222S.
Identifiers: ClinVar variation 199154 (VCV000199154.7), dbSNP rs772393394, ClinGen allele CA248205.
Genomic context (GRCh38, chr2:148,468,607, plus strand): 5'-AGATTGGGCAGCAGTGAACATGGACAGAAATCTCCATTCCGTGGCAGCCATGGAGGCCTG[C>T]CCAGCCCAGCGTCATCAGGTTCCCAGATATATGGAGATGGTTCAATCTCTCCAAGGACTG-3'
Protein context (NP_001365049.1, residues 212-232): SPFRGSHGGL[Pro222Ser]SPASSGSQIY

ClinVar aggregate classification (germline): Uncertain significance. Review status: criteria provided, multiple submitters, no conflicts (2 of 4 stars). 2 submissions from 2 submitters: Uncertain significance (2). Last evaluated 2024-06-22.

Conditions:
Intellectual developmental disorder, autosomal dominant 1. Also called: MBD5 Haploinsufficiency; Intellectual disability, autosomal dominant 1. Identifiers: Orphanet 228402, MedGen C1969562, MONDO:0007974, OMIM 156200.

Allele frequency attached by ClinVar (database versions not stated): gnomAD 0.00001; gnomAD exomes 0.00001; ExAC 0.00002.
gnomAD v4.1: 5 of 1,613,776 alleles (0.00031%); highest among the groups gnomAD compares: Non-Finnish European, 0.00034%; no homozygotes.

Submissions (2):

Labcorp Genetics (formerly Invitae), Labcorp
Classification: Uncertain significance for Intellectual developmental disorder, autosomal dominant 1. Last evaluated: 2024-06-22. Review status: criteria provided, single submitter. Criteria: Invitae Variant Classification Sherloc (09022015). Collection method: clinical testing. Allele origin: germline.
Comment: This sequence change replaces proline, which is neutral and non-polar, with serine, which is neutral and polar, at codon 222 of the MBD5 protein (p.Pro222Ser). This variant is present in population databases (rs772393394, gnomAD 0.003%). This variant has not been reported in the literature in individuals affected with MBD5-related conditions. ClinVar contains an entry for this variant (Variation ID: 199154). Advanced modeling of protein sequence and biophysical properties (such as structural, functional, and spatial information, amino acid conservation, physicochemical variation, residue mobility, and thermodynamic stability) performed at Invitae indicates that this missense variant is not expected to disrupt MBD5 protein function with a negative predictive value of 80%. In summary, the available evidence is currently insufficient to determine the role of this variant in disease. Therefore, it has been classified as a Variant of Uncertain Significance.

Eurofins Ntd Llc (ga)
Classification: Uncertain significance. Last evaluated: 2014-10-27. Review status: criteria provided, single submitter. Criteria: EGL Classification Definitions 2015. Collection method: clinical testing. Allele origin: germline. Observed: 2 variant alleles, 2 heterozygotes.